The following is an entry in ClinVar:

ClinVar aggregate classification (germline): Uncertain significance (1 of 4 stars; one submission).

Conditions:
Hereditary cancer-predisposing syndrome. Also called: Neoplastic Syndromes, Hereditary; Tumor predisposition; Hereditary neoplastic syndrome; Hereditary Cancer Syndrome. Identifiers: Orphanet 140162, MedGen C0027672, MeSH D009386, MONDO:0015356.

Submission:

Ambry Genetics
Classification: Uncertain significance for Hereditary cancer-predisposing syndrome. Last evaluated: 2024-06-12. Review status: criteria provided, single submitter. Criteria: Ambry Variant Classification Scheme 2023. Collection method: clinical testing. Allele origin: germline.
Comment: The p.C68S variant (also known as c.203G>C), located in coding exon 3 of the SDHB gene, results from a G to C substitution at nucleotide position 203. The cysteine at codon 68 is replaced by serine, an amino acid with dissimilar properties. This amino acid position is highly conserved in available vertebrate species. In addition, this alteration is predicted to be deleterious by in silico analysis. Based on the available evidence, the clinical significance of this variant remains unclear.

NM_003000.3(SDHB):c.203G>C (p.Cys68Ser)

Gene: SDHB (succinate dehydrogenase complex iron sulfur subunit B; minus strand). Cytogenetic location: 1p36.13.
Variant type: single nucleotide variant.
Coding change: c.203G>C on transcript NM_003000.3 (MANE Select); coding-DNA position 203, G replaced by C.
Protein change: p.Cys68Ser; replaces cysteine 68 with serine.
Molecular consequence: missense variant.
Genome position (GRCh38, 1-based): chr1:17,033,143, C>G on the plus strand (G>C on the coding strand, the complement: SDHB is on the minus strand). VCF-style: chr1-17033143-C-G. GRCh37 (hg19) VCF-style: chr1-17359638-C-G.
Other names: c.203G>C, p.Cys68Ser (NM_001407361.1); short protein forms C68S.
Identifiers: ClinVar variation 3316880 (VCV003316880.1).
Genomic context (GRCh38, chr1:17,033,143, plus strand): 5'-GTCAAAGTAGAGTCAACTTCATTCTTAATCTTGATTAAAGCATCCAATACCATGGGGCCA[C>G]ATCTAACAAAGAAAAATATCCAGTGGTATTTATGTAACGTTCAACCTCCCTACACTTTAT-3'
Protein context (NP_002991.2, residues 58-78): MQTYEVDLNK[Cys68Ser]GPMVLDALIK